The following is an entry in ClinVar:

NM_001177701.3(IFT27):c.126_130del (p.Met42fs)

Gene: IFT27 (intraflagellar transport 27; minus strand). Cytogenetic location: 22q12.3.
Variant type: Deletion.
Coding change: c.126_130del on transcript NM_001177701.3 (MANE Select); coding-DNA positions 126 to 130, 5 bases deleted (GGATT; older notation c.126_130delGGATT).
Protein change: p.Met42fs; shifts the reading frame from methionine 42.
Molecular consequence: frameshift variant.
Genome position (GRCh38, 1-based): chr22:36,767,350-36,767,354, AATCC deleted on the plus strand (GGATT on the coding strand, the reverse complement: IFT27 is on the minus strand); deleting any 5 consecutive bases within chr22:36,767,350-36,767,355 gives the same sequence; the c. name uses the placement nearest the transcript's 3' end. VCF-style (leftmost placement, unchanged base first): chr22-36767349-AAATCC-A. GRCh37 (hg19) VCF-style: chr22-37163393-AAATCC-A.
Other names: c.126_130del, p.Met42fs (NM_001363003.2); c.123_127del, p.Met41fs (NM_006860.5); short protein forms M41fs, M42fs.
Identifiers: ClinVar variation 2981555 (VCV002981555.4), dbSNP rs1938279494, ClinGen allele CA1025498201.

ClinVar aggregate classification (germline): Pathogenic/Likely pathogenic. Review status: criteria provided, multiple submitters, no conflicts (2 of 4 stars). 2 submissions from 2 submitters: Pathogenic (1); Likely pathogenic (1). Last evaluated 2023-10-29.

Conditions:
IFT27-related disorders.

Submissions (2):

Labcorp Genetics (formerly Invitae), Labcorp
Classification: Pathogenic. Last evaluated: 2023-10-29. Review status: criteria provided, single submitter. Criteria: Invitae Variant Classification Sherloc (09022015). Collection method: clinical testing. Allele origin: germline.
Comment: This sequence change creates a premature translational stop signal (p.Met41Ilefs*10) in the IFT27 gene. It is expected to result in an absent or disrupted protein product. Loss-of-function variants in IFT27 are known to be pathogenic (PMID: 24488770, 25446516). This variant is not present in population databases (gnomAD no frequency). This variant has not been reported in the literature in individuals affected with IFT27-related conditions. For these reasons, this variant has been classified as Pathogenic.

Blueprint Genetics
Classification: Likely pathogenic for IFT27-related disorders. Last evaluated: 2022-06-29. Review status: criteria provided, single submitter. Criteria: ACMG Guidelines, 2015. Collection method: clinical testing. Allele origin: germline. Affected: yes. Observed: 1 variant allele.

Literature cited by the submitters: PubMed 24488770 (cited by Labcorp Genetics (formerly Invitae), Labcorp); PubMed 25446516 (cited by Labcorp Genetics (formerly Invitae), Labcorp).